The following is an entry in ClinVar:

NM_021224.6(ZNF462):c.5013G>A (p.Thr1671=)

Gene: ZNF462 (zinc finger protein 462; plus strand). Cytogenetic location: 9q31.2.
Variant type: single nucleotide variant.
Coding change: c.5013G>A on transcript NM_021224.6 (MANE Select); coding-DNA position 5013, G replaced by A.
Protein change: p.Thr1671=; no amino-acid change (threonine 1671 retained).
Molecular consequence: synonymous variant. On other transcripts: intron variant (1).
Genome position (GRCh38, 1-based): chr9:106,928,925, G>A. VCF-style: chr9-106928925-G-A. GRCh37 (hg19) VCF-style: chr9-109691206-G-A.
Other names: NC_000009.11:g.109691206G>A; c.3253-1600G>A (NM_001347997.2); c.5013G>A (NM_021224.5).
Identifiers: ClinVar variation 2659386 (VCV002659386.27), dbSNP rs116985783, ClinGen allele CA5171932.

ClinVar aggregate classification (germline): Likely benign. Review status: criteria provided, multiple submitters, no conflicts (2 of 4 stars). 3 submissions from 3 submitters: Likely benign (2). 1 of the submissions does not count toward it. Last evaluated 2026-09-01.

Conditions:
ZNF462-related disorder. Also called: ZNF462-related condition; ZNF462 related disease.

Allele frequency attached by ClinVar (database versions not stated): 1000 Genomes Project 0.00080; 1000 Genomes Project 30x 0.00125; TOPMed 0.00202; gnomAD 0.00211; ExAC 0.00256; ESP Exome Variant Server 0.00292; gnomAD exomes 0.00355.
gnomAD v4.1: 5,404 of 1,613,978 alleles (0.33%); highest among the groups gnomAD compares: Non-Finnish European, 0.43%; 16 homozygotes.

Submissions (4):

CeGaT Center for Human Genetics Tuebingen
Classification: Likely benign. Last evaluated: 2026-09-01. Review status: criteria provided, single submitter. Criteria: CeGaT Center For Human Genetics Tuebingen Variant Classification Criteria Version 2. Collection method: clinical testing. Allele origin: germline. Affected: yes. Observed: 14 variant alleles.
Comment: ZNF462: BP4, BP7, BS2

Blueprint Genetics
Classification: Likely benign. Last evaluated: 2024-11-26. Review status: criteria provided, single submitter. Criteria: ACMG Guidelines, 2015. Collection method: clinical testing. Allele origin: germline.

PreventionGenetics, part of Exact Sciences
Classification: Likely benign for ZNF462-related condition. Last evaluated: 2019-05-08. Review status: no assertion criteria provided. Collection method: clinical testing. Allele origin: germline. Not counted in ClinVar's aggregate classification.
Comment: This variant is classified as likely benign based on ACMG/AMP sequence variant interpretation guidelines (Richards et al. 2015 PMID: 25741868, with internal and published modifications).

Dr. Peter K. Rogan Lab, Western University
No classification provided (evidence only). Condition: Melanoma. Review status: no classification provided. Collection method: in vitro. Allele origin: not applicable. Functional consequence: retained intron. Not counted in ClinVar's aggregate classification.